The following is an entry in ClinVar:

ClinVar aggregate classification (germline): Likely benign (1 of 4 stars; one submission).

Conditions:
Hydrocephalus, nonsyndromic, autosomal recessive 1 (HYC1). Also called: Hydrocephalus, nonsyndromic, autosomal recessive; Congenital hydrocephalus 1. Identifiers: Orphanet 2185, MedGen C3887608, MONDO:0009360, OMIM 236600.
Spinocerebellar ataxia type 40. Identifiers: Orphanet 423275, MedGen C4518336, MONDO:0014475, OMIM 616053.

Submission:

Juno Genomics, Hangzhou Juno Genomics, Inc
Classification: Likely benign for Spinocerebellar ataxia type 40; Hydrocephalus, nonsyndromic, autosomal recessive 1. Review status: criteria provided, single submitter. Criteria: ACMG Guidelines, 2015. Collection method: clinical testing. Allele origin: germline.
Comment: Absent from controls (or at extremely low frequency if recessive) in Genome Aggregation Database.;Multiple lines of computational evidence suggest no impact on gene or gene product.

NM_001080414.4(CCDC88C):c.5892G>C (p.Glu1964Asp)

Gene: CCDC88C (coiled-coil and HOOK domain protein 88C; minus strand). Cytogenetic location: 14q32.11.
Variant type: single nucleotide variant.
Coding change: c.5892G>C on transcript NM_001080414.4 (MANE Select); coding-DNA position 5892, G replaced by C.
Protein change: p.Glu1964Asp; replaces glutamic acid 1964 with aspartic acid.
Molecular consequence: missense variant. On other transcripts: non-coding transcript variant (2).
Genome position (GRCh38, 1-based): chr14:91,272,820, C>G on the plus strand (G>C on the coding strand, the complement: CCDC88C is on the minus strand). VCF-style: chr14-91272820-C-G. GRCh37 (hg19) VCF-style: chr14-91739164-C-G.
Other names: short protein forms E1964D.
Identifiers: ClinVar variation 5005357 (VCV005005357.2).